The following is an entry in ClinVar:

ClinVar aggregate classification (germline): Uncertain significance. Review status: criteria provided, multiple submitters, no conflicts (2 of 4 stars). 3 submissions from 3 submitters: Uncertain significance (3). Last evaluated 2025-04-25.

Conditions:
Inborn genetic diseases. Identifiers: MedGen C0950123, MeSH D030342.
Kostmann syndrome (SCN3). Also called: Autosomal recessive severe congenital neutropenia type 3; KOSTMANN DISEASE. Identifiers: Orphanet 99749, MedGen C5235141, MONDO:0012548, OMIM 610738.

Allele frequency attached by ClinVar (database versions not stated): ExAC 0.00001; gnomAD exomes 0.00001; TOPMed 0.00001; gnomAD 0.00002; ESP Exome Variant Server 0.00008.
gnomAD v4.1: 15 of 1,613,992 alleles (0.00093%); highest among the groups gnomAD compares: Non-Finnish European, 0.0013%; no homozygotes.

Submissions (3):

Ambry Genetics
Classification: Uncertain significance for Inborn genetic diseases. Last evaluated: 2025-04-25. Review status: criteria provided, single submitter. Criteria: Ambry Variant Classification Scheme 2023. Collection method: clinical testing. Allele origin: germline.

Labcorp Genetics (formerly Invitae), Labcorp
Classification: Uncertain significance for Kostmann syndrome. Last evaluated: 2022-03-12. Review status: criteria provided, single submitter. Criteria: Invitae Variant Classification Sherloc (09022015). Collection method: clinical testing. Allele origin: germline.
Comment: This sequence change replaces proline, which is neutral and non-polar, with arginine, which is basic and polar, at codon 69 of the HAX1 protein (p.Pro69Arg). This variant is present in population databases (rs370342620, gnomAD 0.002%). This variant has not been reported in the literature in individuals affected with HAX1-related conditions. Algorithms developed to predict the effect of missense changes on protein structure and function are either unavailable or do not agree on the potential impact of this missense change (SIFT: "Deleterious"; PolyPhen-2: "Probably Damaging"; Align-GVGD: "Class C0"). In summary, the available evidence is currently insufficient to determine the role of this variant in disease. Therefore, it has been classified as a Variant of Uncertain Significance.

Genetic Services Laboratory, University of Chicago
Classification: Uncertain significance. Last evaluated: 2021-02-23. Review status: criteria provided, single submitter. Criteria: ACMG Guidelines, 2015. Collection method: clinical testing. Allele origin: germline. Affected: no.
Comment: This sequence change does not appear to have been previously described in patients with HAX1-related disorders and has been described in the gnomAD database with a low population frequency of 0.0032% (dbSNP rs370342620). The p.Pro69Arg change affects a highly conserved amino acid residue located in a domain of the HAX1 protein that is known to be functional. In-silico pathogenicity prediction tools (SIFT, PolyPhen2, Align GVGD, REVEL) provide contradictory results for the p.Pro69Arg substitution. Due to these contrasting evidences and the lack of functional studies, the clinical significance of the p.Pro69Arg change remains unknown at this time.

NM_006118.4(HAX1):c.206C>G (p.Pro69Arg)

Gene: HAX1 (HCLS1 associated protein X-1; plus strand). Cytogenetic location: 1q21.3.
Variant type: single nucleotide variant.
Coding change: c.206C>G on transcript NM_006118.4 (MANE Select); coding-DNA position 206, C replaced by G.
Protein change: p.Pro69Arg; replaces proline 69 with arginine.
Molecular consequence: missense variant.
Genome position (GRCh38, 1-based): chr1:154,273,488, C>G. VCF-style: chr1-154273488-C-G. GRCh37 (hg19) VCF-style: chr1-154245964-C-G.
Other names: c.62C>G, p.Pro21Arg (NM_001018837.2); short protein forms P21R, P69R.
Identifiers: ClinVar variation 1337844 (VCV001337844.6), dbSNP rs370342620, ClinGen allele CA1127287.